The following is an entry in ClinVar:

ClinVar aggregate classification (germline): Pathogenic/Likely pathogenic. Review status: criteria provided, multiple submitters, no conflicts (2 of 4 stars). 3 submissions from 3 submitters: Pathogenic (2); Likely pathogenic (1). Last evaluated 2023-08-02.

Conditions:
Neuromuscular disease caused by qualitative or quantitative defects of dysferlin. Also called: Dysferlinopathy; Qualitative or quantitative defects of dysferlin. Identifiers: Orphanet 207073, MedGen C2931687, MONDO:0016145.
Miyoshi muscular dystrophy 1 (MMD1). Identifiers: Orphanet 45448, MedGen C4551973, MONDO:0024545, OMIM 254130.

Allele frequency attached by ClinVar (database versions not stated): gnomAD exomes below 0.00001.

Submissions (3):

Baylor Genetics
Classification: Likely pathogenic for Miyoshi muscular dystrophy 1. Last evaluated: 2023-08-02. Review status: criteria provided, single submitter. Criteria: ACMG Guidelines, 2015. Collection method: clinical testing. Allele origin: unknown.

Labcorp Genetics (formerly Invitae), Labcorp
Classification: Pathogenic for Neuromuscular disease caused by qualitative or quantitative defects of dysferlin. Last evaluated: 2018-08-27. Review status: criteria provided, single submitter. Criteria: Invitae Variant Classification Sherloc (09022015). Collection method: clinical testing. Allele origin: germline.
Comment: For these reasons, this variant has been classified as Pathogenic. Loss-of-function variants in DYSF are known to be pathogenic (PMID: 17698709, 20301480). This variant has not been reported in the literature in individuals with DYSF-related disease. This variant is not present in population databases (ExAC no frequency). This sequence change creates a premature translational stop signal (p.Met1128Ilefs*47) in the DYSF gene. It is expected to result in an absent or disrupted protein product.

Eurofins Ntd Llc (ga)
Classification: Pathogenic. Last evaluated: 2017-05-26. Review status: criteria provided, single submitter. Criteria: EGL Classification Definitions 2015. Collection method: clinical testing. Allele origin: germline. Observed: 1 variant allele, 1 heterozygote.

Literature cited by the submitters: PubMed 17698709 (cited by Labcorp Genetics (formerly Invitae), Labcorp); PubMed 20301480 (cited by Labcorp Genetics (formerly Invitae), Labcorp).

NM_003494.3(DYSF):c.3383dup (p.Met1128Ilefs)

Gene: DYSF (dysferlin; plus strand). Cytogenetic location: 2p13.2.
Variant type: Duplication.
Coding change: c.3383dup on transcript NM_003494.3; coding-DNA position 3383, one base duplicated (T; older notation c.3383dupT).
Protein change: p.Met1128Ilefs; shifts the reading frame from methionine 1128.
Molecular consequence: frameshift variant (on NM_001130987.2).
Genome position (GRCh38, 1-based): chr2:71,589,627, T duplicated. VCF-style (leftmost placement, unchanged base first): chr2-71589626-A-AT. GRCh37 (hg19) VCF-style: chr2-71816756-A-AT.
Other names: c.3386dup, p.Met1129fs (NM_001130455.2, NM_001130983.2); c.3341dup, p.Met1114fs (NM_001130976.2, NM_001130977.2); c.3383dup, p.Met1128fs (NM_001130978.2, NM_003494.4); c.3476dup, p.Met1159fs (NM_001130979.2); c.3434dup, p.Met1145fs (NM_001130980.2, NM_001130981.2); c.3479dup, p.Met1160fs (NM_001130982.2); c.3344dup, p.Met1115fs (NM_001130984.2, NM_001130986.2); c.3437dup, p.Met1146fs (NM_001130985.2, NM_001130987.2); and 1 more; short protein forms M1114fs, M1128fs, M1146fs, M1159fs, M1115fs, M1129fs, M1160fs, M1145fs.
Identifiers: ClinVar variation 502211 (VCV000502211.12), dbSNP rs1553370437, ClinGen allele CA658795810.